The following is an entry in ClinVar:

ClinVar aggregate classification (germline): Benign/Likely benign. Review status: criteria provided, multiple submitters, no conflicts (2 of 4 stars). 3 submissions from 3 submitters: Benign (1); Likely benign (2). Last evaluated 2024-07-08.

Allele frequency attached by ClinVar (database versions not stated): gnomAD exomes 0.00002 and 0.00012; gnomAD 0.00006 and 0.00007; TOPMed 0.00006; ExAC 0.00014; 1000 Genomes Project 30x 0.00016; 1000 Genomes Project 0.00020.
gnomAD v4.1: 39 of 1,614,250 alleles (0.0024%); highest among the groups gnomAD compares: East Asian, 0.082%; no homozygotes.

Submissions (3):

Labcorp Genetics (formerly Invitae), Labcorp
Classification: Benign. Last evaluated: 2024-07-08. Review status: criteria provided, single submitter. Criteria: Invitae Variant Classification Sherloc (09022015). Collection method: clinical testing. Allele origin: germline.

CeGaT Center for Human Genetics Tuebingen
Classification: Likely benign. Last evaluated: 2023-09-01. Review status: criteria provided, single submitter. Criteria: CeGaT Center For Human Genetics Tuebingen Variant Classification Criteria Version 2. Collection method: clinical testing. Allele origin: germline. Affected: yes. Observed: 1 variant allele.
Comment: AP2M1: BP4

Blueprint Genetics
Classification: Likely benign. Last evaluated: 2022-06-20. Review status: criteria provided, single submitter. Criteria: ACMG Guidelines, 2015. Collection method: clinical testing. Allele origin: germline.

NM_004068.4(AP2M1):c.438A>G (p.Glu146=)

Gene: AP2M1 (adaptor related protein complex 2 subunit mu 1; plus strand). Cytogenetic location: 3q27.1.
Variant type: single nucleotide variant.
Coding change: c.438A>G on transcript NM_004068.4 (MANE Select); coding-DNA position 438, A replaced by G.
Protein change: p.Glu146=; no amino-acid change (glutamic acid 146 retained).
Molecular consequence: synonymous variant.
Genome position (GRCh38, 1-based): chr3:184,180,857, A>G. VCF-style: chr3-184180857-A-G. GRCh37 (hg19) VCF-style: chr3-183898645-A-G.
Other names: c.432A>G, p.Glu144= (NM_001025205.2); c.513A>G, p.Glu171= (NM_001311198.2).
Identifiers: ClinVar variation 1604025 (VCV001604025.34), dbSNP rs550065852, ClinGen allele CA2727759.